The following is an entry in ClinVar:

ClinVar aggregate classification (germline): Uncertain significance (1 of 4 stars; one submission).

Conditions:
Autoimmune interstitial lung disease-arthritis syndrome. Also called: Autoinflammation and autoimmunity, systemic, with immune dysregulation. Identifiers: Orphanet 444092, MedGen C5975714, MONDO:0014629.

Allele frequency attached by ClinVar (database versions not stated): gnomAD exomes below 0.00001.
gnomAD v4.1: 1 of 1,613,830 alleles (0.000062%); highest among the groups gnomAD compares: Non-Finnish European, 0.000085%; no homozygotes.

Submission:

Labcorp Genetics (formerly Invitae), Labcorp
Classification: Uncertain significance for Autoimmune interstitial lung disease-arthritis syndrome. Last evaluated: 2020-05-27. Review status: criteria provided, single submitter. Criteria: Invitae Variant Classification Sherloc (09022015). Collection method: clinical testing. Allele origin: germline.
Comment: This sequence change replaces glutamic acid with aspartic acid at codon 783 of the COPA protein (p.Glu783Asp). The glutamic acid residue is moderately conserved and there is a small physicochemical difference between glutamic acid and aspartic acid. In summary, the available evidence is currently insufficient to determine the role of this variant in disease. Therefore, it has been classified as a Variant of Uncertain Significance. Algorithms developed to predict the effect of missense changes on protein structure and function (SIFT, PolyPhen-2, Align-GVGD) all suggest that this variant is likely to be tolerated, but these predictions have not been confirmed by published functional studies and their clinical significance is uncertain. This variant has not been reported in the literature in individuals with COPA-related conditions. This variant is not present in population databases (ExAC no frequency).

NM_004371.4(COPA):c.2349G>C (p.Glu783Asp)

Gene: COPA (coat protein complex I subunit alpha; minus strand). Cytogenetic location: 1q23.2.
Variant type: single nucleotide variant.
Coding change: c.2349G>C on transcript NM_004371.4 (MANE Select); coding-DNA position 2349, G replaced by C.
Protein change: p.Glu783Asp; replaces glutamic acid 783 with aspartic acid.
Molecular consequence: missense variant.
Genome position (GRCh38, 1-based): chr1:160,296,064, C>G on the plus strand (G>C on the coding strand, the complement: COPA is on the minus strand). VCF-style: chr1-160296064-C-G. GRCh37 (hg19) VCF-style: chr1-160265854-C-G.
Other names: c.2376G>C, p.Glu792Asp (NM_001098398.2); short protein forms E783D, E792D.
Identifiers: ClinVar variation 951996 (VCV000951996.9), dbSNP rs1658401288, ClinGen allele CA343276544.